The following is an entry in ClinVar:

NM_014806.5(RUSC2):c.3346C>G (p.Arg1116Gly)

Gene: RUSC2 (RUN and SH3 domain containing 2; plus strand). Cytogenetic location: 9p13.3.
Variant type: single nucleotide variant.
Coding change: c.3346C>G on transcript NM_014806.5 (MANE Select); coding-DNA position 3346, C replaced by G.
Protein change: p.Arg1116Gly; replaces arginine 1116 with glycine.
Molecular consequence: missense variant. On other transcripts: non-coding transcript variant (1).
Genome position (GRCh38, 1-based): chr9:35,559,230, C>G. VCF-style: chr9-35559230-C-G. GRCh37 (hg19) VCF-style: chr9-35559227-C-G.
Other names: c.3346C>G, p.Arg1116Gly (NM_001135999.2); c.712C>G, p.Arg238Gly (NM_001330740.2); short protein forms R238G, R1116G.
Identifiers: ClinVar variation 1517127 (VCV001517127.8), dbSNP rs1231784591, ClinGen allele CA373350164.

ClinVar aggregate classification (germline): Uncertain significance (1 of 4 stars; one submission).

gnomAD v4.1: 2 of 1,612,940 alleles (0.00012%); highest among the groups gnomAD compares: East Asian, 0.0022%; no homozygotes.

Submission:

Labcorp Genetics (formerly Invitae), Labcorp
Classification: Uncertain significance. Last evaluated: 2020-11-24. Review status: criteria provided, single submitter. Criteria: Invitae Variant Classification Sherloc (09022015). Collection method: clinical testing. Allele origin: germline.
Comment: In summary, the available evidence is currently insufficient to determine the role of this variant in disease. Therefore, it has been classified as a Variant of Uncertain Significance. Algorithms developed to predict the effect of missense changes on protein structure and function (SIFT, PolyPhen-2, Align-GVGD) all suggest that this variant is likely to be disruptive, but these predictions have not been confirmed by published functional studies and their clinical significance is uncertain. This variant has not been reported in the literature in individuals with RUSC2-related conditions. This variant is not present in population databases (ExAC no frequency). This sequence change replaces arginine with glycine at codon 1116 of the RUSC2 protein (p.Arg1116Gly). The arginine residue is highly conserved and there is a moderate physicochemical difference between arginine and glycine.